The following is an entry in ClinVar:

NM_005535.3(IL12RB1):c.111G>A (p.Pro37=)

Gene: IL12RB1 (interleukin 12 receptor subunit beta 1; minus strand). Cytogenetic location: 19p13.11.
Variant type: single nucleotide variant.
Coding change: c.111G>A on transcript NM_005535.3 (MANE Select); coding-DNA position 111, G replaced by A.
Protein change: p.Pro37=; no amino-acid change (proline 37 retained).
Molecular consequence: synonymous variant.
Genome position (GRCh38, 1-based): chr19:18,083,445, C>T on the plus strand (G>A on the coding strand, the complement: IL12RB1 is on the minus strand). VCF-style: chr19-18083445-C-T. GRCh37 (hg19) VCF-style: chr19-18194255-C-T.
Other names: c.111G>A, p.Pro37= (NM_001290023.2, NM_153701.3); c.231G>A, p.Pro77= (NM_001290024.2).
Identifiers: ClinVar variation 2155446 (VCV002155446.1), dbSNP rs372258967, ClinGen allele CA9305357.

ClinVar aggregate classification (germline): Uncertain significance (1 of 4 stars; one submission).

Conditions:
Mendelian susceptibility to mycobacterial diseases due to complete IL12RB1 deficiency. Also called: IL12RB1 DEFICIENCY; Immunodeficiency 30. Identifiers: Orphanet 319552, MedGen C4013949, MONDO:0013955, OMIM 614891.

Allele frequency attached by ClinVar (database versions not stated): ExAC 0.00005; TOPMed 0.00005; gnomAD exomes 0.00007; gnomAD 0.00010; ESP Exome Variant Server 0.00015; 1000 Genomes Project 30x 0.00016; 1000 Genomes Project 0.00020.
gnomAD v4.1: 115 of 1,614,028 alleles (0.0071%); highest among the groups gnomAD compares: Middle Eastern, 0.017%; no homozygotes.

Submission:

Labcorp Genetics (formerly Invitae), Labcorp
Classification: Uncertain significance for Mendelian susceptibility to mycobacterial diseases due to complete IL12RB1 deficiency. Last evaluated: 2022-03-11. Review status: criteria provided, single submitter. Criteria: Invitae Variant Classification Sherloc (09022015). Collection method: clinical testing. Allele origin: germline.
Comment: This sequence change affects codon 37 of the IL12RB1 mRNA. It is a 'silent' change, meaning that it does not change the encoded amino acid sequence of the IL12RB1 protein. This variant is present in population databases (rs372258967, gnomAD 0.02%). This variant has not been reported in the literature in individuals affected with IL12RB1-related conditions. Algorithms developed to predict the effect of sequence changes on RNA splicing suggest that this variant may disrupt the consensus splice site. In summary, the available evidence is currently insufficient to determine the role of this variant in disease. Therefore, it has been classified as a Variant of Uncertain Significance.